The following is an entry in ClinVar:

NM_005751.5(AKAP9):c.3381T>G (p.His1127Gln)

Gene: AKAP9 (A-kinase anchoring protein 9; plus strand). Cytogenetic location: 7q21.2.
Variant type: single nucleotide variant.
Coding change: c.3381T>G on transcript NM_005751.5 (MANE Select); coding-DNA position 3381, T replaced by G.
Protein change: p.His1127Gln; replaces histidine 1127 with glutamine.
Molecular consequence: missense variant.
Genome position (GRCh38, 1-based): chr7:92,012,491, T>G. VCF-style: chr7-92012491-T-G. GRCh37 (hg19) VCF-style: chr7-91641805-T-G.
Other names: p.His1127Gln; c.3381T>G, p.His1127Gln (NM_147185.3); short protein forms H1127Q.
Identifiers: ClinVar variation 1063247 (VCV001063247.13), dbSNP rs746651292, ClinGen allele CA4336295.

ClinVar aggregate classification (germline): Uncertain significance. Review status: criteria provided, multiple submitters, no conflicts (2 of 4 stars). 4 submissions from 4 submitters: Uncertain significance (4). Last evaluated 2025-03-30.

Conditions:
Cardiovascular phenotype. Identifiers: MedGen CN230736.
Long QT syndrome (LQTS). Identifiers: MedGen C0023976, MeSH D008133, MONDO:0002442. Disease mechanism: loss of function. Inheritance: Various modes of inheritance.
Long QT syndrome 11 (LQT11). Identifiers: Orphanet 101016, Orphanet 768, MedGen C2678483, MONDO:0012738, OMIM 611820.

Allele frequency attached by ClinVar (database versions not stated): ExAC 0.00001; TOPMed 0.00003.
gnomAD v4.1: 23 of 1,613,940 alleles (0.0014%); highest among the groups gnomAD compares: Non-Finnish European, 0.0019%; no homozygotes.

Submissions (4):

Ambry Genetics
Classification: Uncertain significance for Cardiovascular phenotype. Last evaluated: 2025-03-30. Review status: criteria provided, single submitter. Criteria: Ambry Variant Classification Scheme 2023. Collection method: clinical testing. Allele origin: germline.
Comment: The p.H1127Q variant (also known as c.3381T>G), located in coding exon 9 of the AKAP9 gene, results from a T to G substitution at nucleotide position 3381. The histidine at codon 1127 is replaced by glutamine, an amino acid with highly similar properties. This amino acid position is well conserved in available vertebrate species. In addition, this alteration is predicted to be tolerated by in silico analysis. The evidence for this gene-disease relationship is limited; therefore, the clinical significance of this alteration is unclear.

Labcorp Genetics (formerly Invitae), Labcorp
Classification: Uncertain significance for Long QT syndrome. Last evaluated: 2024-02-23. Review status: criteria provided, single submitter. Criteria: Invitae Variant Classification Sherloc (09022015). Collection method: clinical testing. Allele origin: germline.
Comment: This sequence change replaces histidine, which is basic and polar, with glutamine, which is neutral and polar, at codon 1127 of the AKAP9 protein (p.His1127Gln). This variant is present in population databases (rs746651292, gnomAD 0.004%). This variant has not been reported in the literature in individuals affected with AKAP9-related conditions. ClinVar contains an entry for this variant (Variation ID: 1063247). Algorithms developed to predict the effect of missense changes on protein structure and function output the following: SIFT: "Not Available"; PolyPhen-2: "Benign"; Align-GVGD: "Not Available". The glutamine amino acid residue is found in multiple mammalian species, which suggests that this missense change does not adversely affect protein function. Algorithms developed to predict the effect of sequence changes on RNA splicing suggest that this variant may disrupt the consensus splice site. In summary, the available evidence is currently insufficient to determine the role of this variant in disease. Therefore, it has been classified as a Variant of Uncertain Significance.

Mayo Clinic Laboratories, Mayo Clinic
Classification: Uncertain significance. Last evaluated: 2022-08-29. Review status: criteria provided, single submitter. Criteria: ACMG Guidelines, 2015. Collection method: clinical testing. Allele origin: germline. Observed: 1 variant allele.
Comment: BP4

Fulgent Genetics
Classification: Uncertain significance for Long QT syndrome 11. Last evaluated: 2021-07-07. Review status: criteria provided, single submitter. Criteria: ACMG Guidelines, 2015. Collection method: clinical testing. Allele origin: unknown.